The following is an entry in ClinVar:

ClinVar aggregate classification (germline): Conflicting classifications of pathogenicity. Review status: criteria provided, conflicting classifications (1 of 4 stars). 3 submissions from 2 submitters: Uncertain significance (1); Benign (1); Likely benign (1). Last evaluated 2025-12-02.

Conditions:
Distal arthrogryposis type 2B1 (DA2B1). Also called: Arthrogryposis multiplex congenita distal type II with craniofacial abnormalities. Identifiers: Orphanet 1147, MedGen C5193014, MONDO:0020820, OMIM 601680.
Freeman-Sheldon syndrome (DA2A). Also called: CRANIOCARPOTARSAL DYSPLASIA; CRANIOCARPOTARSAL DYSTROPHY; WHISTLING FACE-WINDMILL VANE HAND SYNDROME; Arthrogryposis, distal, type 2A (Freeman-Sheldon). Identifiers: Orphanet 2053, MedGen C0265224, MONDO:0008675, OMIM 193700.

Allele frequency attached by ClinVar (database versions not stated): gnomAD exomes 0.00006 and 0.00014; gnomAD 0.00007; TOPMed 0.00007; ExAC 0.00012.
gnomAD v4.1: 116 of 1,614,092 alleles (0.0072%); highest among the groups gnomAD compares: African/African-American, 0.0027%; no homozygotes.

Submissions (3):

Labcorp Genetics (formerly Invitae), Labcorp
Classification: Likely benign. Last evaluated: 2025-12-02. Review status: criteria provided, single submitter. Criteria: Invitae Variant Classification Sherloc (09022015). Collection method: clinical testing. Allele origin: germline.

Illumina Laboratory Services, Illumina
Classification: Benign for Freeman-Sheldon syndrome. Last evaluated: 2018-01-13. Review status: criteria provided, single submitter. Criteria: ICSL Variant Classification Criteria 13 December 2019. Collection method: clinical testing. Allele origin: germline.
Comment: This variant was observed in the ICSL laboratory as part of a predisposition screen in an ostensibly healthy population. It had not been previously curated by ICSL or reported in the Human Gene Mutation Database (HGMD: prior to June 1st, 2018), and was therefore a candidate for classification through an automated scoring system. Utilizing variant allele frequency, disease prevalence and penetrance estimates, and inheritance mode, an automated score was calculated to assess if this variant is too frequent to cause the disease. Based on the score and internal cut-off values, a variant classified as benign is not then subjected to further curation. The score for this variant resulted in a classification of benign for this disease.

Illumina Laboratory Services, Illumina
Classification: Uncertain significance for Distal arthrogryposis type 2B1. Last evaluated: 2018-01-13. Review status: criteria provided, single submitter. Criteria: ICSL Variant Classification Criteria 13 December 2019. Collection method: clinical testing. Allele origin: germline.

NM_002470.4(MYH3):c.1703A>G (p.Lys568Arg)

Gene: MYH3 (myosin heavy chain 3; minus strand). Cytogenetic location: 17p13.1.
Variant type: single nucleotide variant.
Coding change: c.1703A>G on transcript NM_002470.4 (MANE Select); coding-DNA position 1703, A replaced by G.
Protein change: p.Lys568Arg; replaces lysine 568 with arginine.
Molecular consequence: missense variant.
Genome position (GRCh38, 1-based): chr17:10,642,602, T>C on the plus strand (A>G on the coding strand, the complement: MYH3 is on the minus strand). VCF-style: chr17-10642602-T-C. GRCh37 (hg19) VCF-style: chr17-10545919-T-C.
Other names: short protein forms K568R.
Identifiers: ClinVar variation 321757 (VCV000321757.12), dbSNP rs200780612, ClinGen allele CA8392949.